The following is an entry in ClinVar:

NM_000390.4(CHM):c.24G>A (p.Glu8=)

Gene: CHM (CHM Rab escort protein; minus strand). Cytogenetic location: Xq21.2.
Variant type: single nucleotide variant.
Coding change: c.24G>A on transcript NM_000390.4 (MANE Select); coding-DNA position 24, G replaced by A.
Protein change: p.Glu8=; no amino-acid change (glutamic acid 8 retained).
Molecular consequence: synonymous variant.
Genome position (GRCh38, 1-based): chrX:86,047,509, C>T on the plus strand (G>A on the coding strand, the complement: CHM is on the minus strand). VCF-style: chrX-86047509-C-T. GRCh37 (hg19) VCF-style: chrX-85302513-C-T.
Other names: c.24G>A, p.Glu8= (NM_001145414.4); c.24G>A (NM_000390.3).
Identifiers: ClinVar variation 1127641 (VCV001127641.10), dbSNP rs777732569, ClinGen allele CA10465688.
Genomic context (GRCh38, chrX:86,047,509, plus strand): 5'-TAAACTTTGTCCAGGAAGCACCAGGCTACACATACCCGTCCCTATTACGATCACATCAAA[C>T]TCCGAAGGGAGAGTATCCGCCATCTTGACGGGAAACGTGTCATGTGACTATTACTTGTGG-3'
Protein context (NP_000381.1, residues 1-18): MADTLPS[Glu8=]FDVIVIGTGL

ClinVar aggregate classification (germline): Likely benign. Review status: criteria provided, multiple submitters, no conflicts (2 of 4 stars). 2 submissions from 2 submitters: Likely benign (2). Last evaluated 2026-06-02.

Conditions:
CHM-related disorder. Also called: CHM-related condition.

Allele frequency attached by ClinVar (database versions not stated): gnomAD exomes below 0.00001 and 0.00002; ExAC 0.00003; gnomAD 0.00005 and 0.00006; TOPMed 0.00011.
gnomAD v4.1: 12 of 1,207,038 alleles (0.00099%); highest among the groups gnomAD compares: African/African-American, 0.018%; no homozygotes.

Submissions (2):

PreventionGenetics, part of Exact Sciences
Classification: Likely benign for CHM-related condition. Last evaluated: 2026-06-02. Review status: criteria provided, single submitter. Criteria: ACMG Guidelines, 2015. Collection method: clinical testing. Allele origin: germline.
Comment: This variant is classified as likely benign based on ACMG/AMP sequence variant interpretation guidelines (Richards et al. 2015 PMID: 25741868, with internal and published modifications).

Labcorp Genetics (formerly Invitae), Labcorp
Classification: Likely benign. Last evaluated: 2024-01-05. Review status: criteria provided, single submitter. Criteria: Invitae Variant Classification Sherloc (09022015). Collection method: clinical testing. Allele origin: germline.